The following is an entry in ClinVar:

ClinVar aggregate classification (germline): Uncertain significance (1 of 4 stars; one submission).

Conditions:
Leigh syndrome (NULS). Also called: Leigh's necrotizing encephalopathy; Leigh's disease; Leigh's syndrome; LEIGH SYNDROME, NUCLEAR; Leigh Syndrome (mtDNA deletion); Leigh Disease. Identifiers: Orphanet 506, MedGen C2931891, MONDO:0009723, OMIM 256000.

Submission:

Wong Mito Lab, Molecular and Human Genetics, Baylor College of Medicine
Classification: Uncertain significance for Leigh syndrome. Last evaluated: 2019-10-17. Review status: criteria provided, single submitter. Criteria: Modified ACMG Guidelines (Unpublished). Collection method: clinical testing. Allele origin: germline.
Comment: The NC_012920.1:m.13712C>T (YP_003024036.1:p.Ala459Val) variant in MTND5 gene is interpretated to be a Uncertain Significance variant based on the modified ACMG guidelines (unpublished). This variant meets the following evidence codes: BP4

NC_012920.1(MT-ND5):m.13712C>T

Gene: MT-ND5 (mitochondrially encoded NADH dehydrogenase 5; plus strand).
Variant type: single nucleotide variant.
Genome position: chrM-13712-C-T.
Identifiers: ClinVar variation 693594 (VCV000693594.1), dbSNP rs1603224311, ClinGen allele CA414819187.
Genomic context (GRCh38, chrMT:13,712, plus strand): 5'-CCCTTACTAACATTAACGAAAATAACCCCACCCTACTAAACCCCATTAAACGCCTGGCAG[C>T]CGGAAGCCTATTCGCAGGATTTCTCATTACTAACAACATTTCCCCCGCATCCCCCTTCCA-3'